The following is an entry in ClinVar:

ClinVar aggregate classification (germline): Pathogenic/Likely pathogenic. Review status: criteria provided, multiple submitters, no conflicts (2 of 4 stars). 5 submissions from 5 submitters: Pathogenic (1); Likely pathogenic (4). Last evaluated 2024-05-25.

Conditions:
Immunodeficiency 23 (IMD23). Also called: IMMUNODEFICIENCY WITH HYPER IgE AND COGNITIVE IMPAIRMENT; IMMUNODEFICIENCY-VASCULITIS-MYOCLONUS SYNDROME. Identifiers: Orphanet 443811, MedGen C4014371, MONDO:0014353, OMIM 615816.

Allele frequency attached by ClinVar (database versions not stated): gnomAD exomes below 0.00001.

Submissions (5):

Fulgent Genetics
Classification: Likely pathogenic for Immunodeficiency 23. Last evaluated: 2024-05-25. Review status: criteria provided, single submitter. Criteria: ACMG Guidelines, 2015. Collection method: clinical testing. Allele origin: germline.

Labcorp Genetics (formerly Invitae), Labcorp
Classification: Pathogenic for Immunodeficiency 23. Last evaluated: 2024-02-14. Review status: criteria provided, single submitter. Criteria: Invitae Variant Classification Sherloc (09022015). Collection method: clinical testing. Allele origin: germline.
Comment: This sequence change creates a premature translational stop signal (p.Arg155*) in the PGM3 gene. It is expected to result in an absent or disrupted protein product. Loss-of-function variants in PGM3 are known to be pathogenic (PMID: 17548465, 24589341, 24931394). This variant is not present in population databases (gnomAD no frequency). This variant has not been reported in the literature in individuals affected with PGM3-related conditions. ClinVar contains an entry for this variant (Variation ID: 1377883). For these reasons, this variant has been classified as Pathogenic.

Genetic Services Laboratory, University of Chicago
Classification: Likely pathogenic. Last evaluated: 2024-01-05. Review status: criteria provided, single submitter. Criteria: ACMG Guidelines, 2015. Collection method: clinical testing. Allele origin: germline. Affected: yes.
Comment: DNA sequence analysis of the PGM3 gene demonstrated a sequence change, c.462dup, which results in the creation of a premature stop codon at amino acid position 155, p.Arg155*. This sequence change is predicted to result in an abnormal transcript, which may be degraded, or may lead to the production of a truncated PGM3 protein with potentially abnormal function. This sequence change has been described in the gnomAD database with a frequency of 0.0001% in the overall population (dbSNP rs2128506370). This sequence change has not previously been described in individuals with PGM3 -related disorders, however, other truncating variants in the PGM3 gene have been described in individuals with immunodeficiency (PMID: 24589341, 30157810, 31980526). Collectively, this evidence indicates that this sequence change is likely pathogenic, however functional studies have not been performed to prove this conclusively.

Revvity Omics, Revvity
Classification: Likely pathogenic for Immunodeficiency 23. Last evaluated: 2023-07-18. Review status: criteria provided, single submitter. Criteria: ACMG Guidelines, 2015. Collection method: clinical testing. Allele origin: germline.

Neuberg Centre For Genomic Medicine, NCGM
Classification: Likely pathogenic for Immunodeficiency 23. Last evaluated: 2023-02-14. Review status: criteria provided, single submitter. Criteria: ACMG Guidelines, 2015. Collection method: clinical testing. Allele origin: germline. Inheritance: Autosomal recessive inheritance. Affected: yes.
Comment: The frameshift c.378dup(p.Arg127Ter) variant in PGM3 gene has not been reported previously as a pathogenic variant nor as a benign variant, to our knowledge. This variant is novel (not in any individuals) in gnomAD Exomes and 1000 Genomes. This variant has been reported to the ClinVar database as Pathogenic. However, study in multiple affected individuals and functional evidence on its pathogenicity is not available. This variant is predicted to cause loss of normal protein function through protein truncation. Loss of function variants have been previously reported to be disease causing. For these reasons, this variant has been classified as Likely Pathogenic. In the absence of another reportable variant, the molecular diagnosis is not confirmed.

Literature cited by the submitters: PubMed 17548465 (cited by Labcorp Genetics (formerly Invitae), Labcorp); PubMed 24589341 (cited by Labcorp Genetics (formerly Invitae), Labcorp); PubMed 24931394 (cited by Labcorp Genetics (formerly Invitae), Labcorp).

NM_015599.3(PGM3):c.378dup (p.Arg127Ter)

Gene: PGM3 (phosphoglucomutase 3; minus strand). Cytogenetic location: 6q14.1.
Variant type: Duplication.
Coding change: c.378dup on transcript NM_015599.3 (MANE Select); coding-DNA position 378, one base duplicated (T; older notation c.378dupT).
Protein change: p.Arg127Ter; replaces arginine 127 with a stop codon.
Molecular consequence: nonsense. On other transcripts: non-coding transcript variant (1).
Genome position (GRCh38, 1-based): chr6:83,188,625, A duplicated on the plus strand (T on the coding strand, the reverse complement: PGM3 is on the minus strand). VCF-style (leftmost placement, unchanged base first): chr6-83188624-T-TA. GRCh37 (hg19) VCF-style: chr6-83898343-T-TA.
Other names: c.462dup, p.Arg155Ter (NM_001199917.2, NM_001367287.1); c.135dup, p.Arg46Ter (NM_001199918.2); c.378dup, p.Arg127Ter (NM_001199919.2, NM_001367286.1); short protein forms R127*, R155*, R46*.
Identifiers: ClinVar variation 1377883 (VCV001377883.10), dbSNP rs2128506370, ClinGen allele CA2573141204.